The following is an entry in ClinVar:

ClinVar aggregate classification (germline): Conflicting classifications of pathogenicity. Review status: criteria provided, conflicting classifications (1 of 4 stars). 5 submissions from 5 submitters: Uncertain significance (4); Likely benign (1). Last evaluated 2025-10-06.

Conditions:
Cardiofaciocutaneous syndrome 1 (CFC1). Also called: BRAF-Related Cardiofaciocutaneous Syndrome; MAP2K1-Related Cardiofaciocutaneous Syndrome; KRAS-Related Cardiofaciocutaneous Syndrome; MAP2K2-Related Cardiofaciocutaneous Syndrome. Identifiers: Orphanet 1340, MedGen CN029449, MONDO:0007265, OMIM 115150. Disease mechanism: gain of function.
Melanoma, cutaneous malignant, susceptibility to, 1 (CMM1). Also called: B-K MOLE SYNDROME; MELANOMA, MALIGNANT; DYSPLASTIC NEVUS SYNDROME, HEREDITARY; FAMILIAL ATYPICAL MOLE-MALIGNANT MELANOMA SYNDROME. Identifiers: Orphanet 618, MedGen C1835047, MONDO:0007963, OMIM 155600.
LEOPARD syndrome 3 (LPRD3). Identifiers: Orphanet 500, MedGen C3150971, MONDO:0013380, OMIM 613707.
Noonan syndrome 7 (NS7). Also called: BRAF-Related Noonan Syndrome. Identifiers: Orphanet 648, MedGen C3150970, MONDO:0013379, OMIM 613706.
Colorectal cancer. Also called: Colorectal cancer, somatic; Malignant Colorectal Neoplasm. Identifiers: MedGen C0346629, MONDO:0005575, OMIM 114500.
Lung cancer. Also called: Lung cancer, somatic; Malignant tumor of lung. Identifiers: MedGen C0242379, MONDO:0008903, OMIM 211980.
RASopathy. Also called: rasopathies; Noonan spectrum disorder. Identifiers: Orphanet 536391, MedGen C5555857, MONDO:0021060.
Cardiovascular phenotype. Identifiers: MedGen CN230736.
Noonan syndrome (NS). Also called: Noonan's syndrome. Identifiers: Orphanet 648, MedGen C0028326, MeSH D009634, MONDO:0018997. Disease mechanism: gain of function.

Allele frequency attached by ClinVar (database versions not stated): gnomAD exomes 0.00002; TOPMed 0.00003; gnomAD 0.00004.
gnomAD v4.1: 43 of 1,613,946 alleles (0.0027%); highest among the groups gnomAD compares: Non-Finnish European, 0.0034%; no homozygotes.

Submissions (5):

Labcorp Genetics (formerly Invitae), Labcorp
Classification: Uncertain significance for RASopathy. Last evaluated: 2025-10-06. Review status: criteria provided, single submitter. Criteria: Invitae Variant Classification Sherloc (09022015). Collection method: clinical testing. Allele origin: germline.
Comment: This sequence change replaces threonine, which is neutral and polar, with isoleucine, which is neutral and non-polar, at codon 332 of the BRAF protein (p.Thr332Ile). This variant is present in population databases (no rsID available, gnomAD 0.005%). This variant has not been reported in the literature in individuals affected with BRAF-related conditions. ClinVar contains an entry for this variant (Variation ID: 633085). Invitae Evidence Modeling of protein sequence and biophysical properties (such as structural, functional, and spatial information, amino acid conservation, physicochemical variation, residue mobility, and thermodynamic stability) indicates that this missense variant is not expected to disrupt BRAF protein function with a negative predictive value of 80%. In summary, the available evidence is currently insufficient to determine the role of this variant in disease. Therefore, it has been classified as a Variant of Uncertain Significance.

Ambry Genetics
Classification: Uncertain significance for Cardiovascular phenotype. Last evaluated: 2024-08-12. Review status: criteria provided, single submitter. Criteria: Ambry Variant Classification Scheme 2023. Collection method: clinical testing. Allele origin: germline.

Fulgent Genetics
Classification: Uncertain significance for Colorectal cancer; Cardiofaciocutaneous syndrome 1; Melanoma, cutaneous malignant, susceptibility to, 1; Lung cancer; Noonan syndrome 7; LEOPARD syndrome 3. Last evaluated: 2024-01-23. Review status: criteria provided, single submitter. Criteria: ACMG Guidelines, 2015. Collection method: clinical testing. Allele origin: germline.

St. Jude Molecular Pathology, St. Jude Children's Research Hospital
Classification: Uncertain significance for Noonan syndrome. Last evaluated: 2021-07-22. Review status: criteria provided, single submitter. Criteria: St. Jude Assertion Criteria 2020. Collection method: clinical testing. Allele origin: germline.
Comment: The BRAF c.995C>T (p.Thr332Ile) missense change has a maximum subpopulation frequency of 0.0046% in gnomAD v2.1.1. This variant occurs in a gene where missense variants are a common mechanism of disease (PP2). Five of seven in silico tools predict a benign effect of this variant on protein function (BP4), but to our knowledge these predictions have not been confirmed by functional assays. To our knowledge, this variant has not been reported in individuals with RASopathy conditions. In summary, this variant meets criteria to be classified as of uncertain significance based on the ACMG/AMP criteria, as specified by the RASopathy Variant Curation Expert Panel (PMID:29493581): PP2, BP4.

Women's Health and Genetics/Laboratory Corporation of America, LabCorp
Classification: Likely benign. Last evaluated: 2018-01-08. Review status: criteria provided, single submitter. Criteria: LabCorp Variant Classification Summary - May 2015. Collection method: clinical testing. Allele origin: germline.
Comment: Variant summary: The c.995C>T (p. Thr332Ile) in BRAF gene is a missense variant involves a conserved nucleotide and 3/5 in silico tools used predict benign outcome. The variant is located outside of any know functional domain or repeat, however no functional studies confirming an effect of this change on the protein function were published at the time of evaluation. The variant is present in the control population dataset of gnomAD (0.00002165; 6/277190 chrs tested), exclusively in individuals of European descent (0.000047; 6/126700 chrs tested). The individual frequencies exceed the maximal expected allele frequency for a disease causing allele in BRAF gene (0.0000047), suggesting that this variant may represent a rare ethnic polymorphism. The variant has not been reported in affected or cited by a reputable database/clinical laboratory. Taken together, the variant was classified as likely Benign, until new information becomes available.

NM_004333.6(BRAF):c.995C>T (p.Thr332Ile)

Genes: BRAF (B-Raf proto-oncogene, serine/threonine kinase; minus strand), LOC126860202 (BRD4-independent group 4 enhancer GRCh37_chr7:140493623-140494822; plus strand). Cytogenetic location: 7q34.
Variant type: single nucleotide variant.
Coding change: c.995C>T on transcript NM_004333.6 (MANE Select); coding-DNA position 995, C replaced by T.
Protein change: p.Thr332Ile; replaces threonine 332 with isoleucine.
Molecular consequence: missense variant.
Genome position (GRCh38, 1-based): chr7:140,794,453, G>A on the plus strand (C>T on the coding strand, the complement: BRAF is on the minus strand). VCF-style: chr7-140794453-G-A. GRCh37 (hg19) VCF-style: chr7-140494253-G-A.
Other names: c.995C>T, p.Thr332Ile (NM_001354609.2, NM_001374244.1, NM_001374258.1 and 4 more transcripts); c.1004C>T, p.Thr335Ile (NM_001378467.1); c.893C>T, p.Thr298Ile (NM_001378470.1); c.839C>T, p.Thr280Ile (NM_001378472.1, NM_001378473.1); c.731C>T, p.Thr244Ile (NM_001378475.1); short protein forms T332I, T244I, T280I, T298I, T335I.
Identifiers: ClinVar variation 633085 (VCV000633085.11), dbSNP rs1008080053, ClinGen allele CA168100947.
Genomic context (GRCh38, chr7:140,794,453, plus strand): 5'-TCTTCATCTGCTGGTCGGAAGGGCTGTGGAATTGGAATGGATTTTGAAGGAGACGGACTG[G>A]TGAGAATTTGGGGCCTGGAAAAATGAAGTCATTGGAAGATAAGATTCAGAGTAACGATAT-3'
Protein context (NP_004324.2, residues 322-342): ASDSIGPQIL[Thr332Ile]SPSPSKSIPI